The following is an entry in ClinVar:

NM_145207.3(AFG2A):c.1501C>T (p.Arg501Cys)

Gene: AFG2A (AFG2 AAA ATPase homolog A; plus strand). Cytogenetic location: 4q28.1.
Variant type: single nucleotide variant.
Coding change: c.1501C>T on transcript NM_145207.3 (MANE Select); coding-DNA position 1501, C replaced by T.
Protein change: p.Arg501Cys; replaces arginine 501 with cysteine.
Molecular consequence: missense variant.
Genome position (GRCh38, 1-based): chr4:122,947,275, C>T. VCF-style: chr4-122947275-C-T. GRCh37 (hg19) VCF-style: chr4-123868430-C-T.
Other names: c.1498C>T, p.Arg500Cys (NM_001317799.2, NM_001345856.2); c.1501C>T (NM_145207.2); short protein forms R501C, R500C.
Identifiers: ClinVar variation 1361953 (VCV001361953.6), dbSNP rs370908581, ClinGen allele CA104829602.
Genomic context (GRCh38, chr4:122,947,275, plus strand): 5'-TTCATTTTATTTTGTTAGGAAGTAAGTGAAGGACAAGTGTTGGTTCTTGGGGCCACAAAT[C>T]GCCCTCATGCCTTGGATGCTGCTCTCCGAAGACCTGGGCGATTTGATAAAGAGATTGAGA-3'
Protein context (NP_660208.2, residues 491-511): GQVLVLGATN[Arg501Cys]PHALDAALRR

ClinVar aggregate classification (germline): Uncertain significance. Review status: criteria provided, multiple submitters, no conflicts (2 of 4 stars). 2 submissions from 2 submitters: Uncertain significance (2). Last evaluated 2022-08-09.

Conditions:
Inborn genetic diseases. Identifiers: MedGen C0950123, MeSH D030342.
Microcephaly-intellectual disability-sensorineural hearing loss-epilepsy-abnormal muscle tone syndrome (NEDHSB). Also called: NEURODEVELOPMENTAL DISORDER WITH HEARING LOSS, SEIZURES, AND BRAIN ABNORMALITIES. Identifiers: Orphanet 457351, MedGen C4225276, MONDO:0014698, OMIM 616577.

Allele frequency attached by ClinVar (database versions not stated): gnomAD exomes below 0.00001; TOPMed 0.00002; gnomAD 0.00003; ESP Exome Variant Server 0.00008.
gnomAD v4.1: 9 of 1,610,358 alleles (0.00056%); highest among the groups gnomAD compares: African/African-American, 0.004%; no homozygotes.

Submissions (2):

Labcorp Genetics (formerly Invitae), Labcorp
Classification: Uncertain significance for Microcephaly-intellectual disability-sensorineural hearing loss-epilepsy-abnormal muscle tone syndrome. Last evaluated: 2022-08-09. Review status: criteria provided, single submitter. Criteria: Invitae Variant Classification Sherloc (09022015). Collection method: clinical testing. Allele origin: germline.
Comment: This sequence change replaces arginine, which is basic and polar, with cysteine, which is neutral and slightly polar, at codon 501 of the SPATA5 protein (p.Arg501Cys). This variant is present in population databases (rs370908581, gnomAD 0.003%). This variant has not been reported in the literature in individuals affected with SPATA5-related conditions. ClinVar contains an entry for this variant (Variation ID: 1361953). Advanced modeling of protein sequence and biophysical properties (such as structural, functional, and spatial information, amino acid conservation, physicochemical variation, residue mobility, and thermodynamic stability) performed at Invitae indicates that this missense variant is expected to disrupt SPATA5 protein function. In summary, the available evidence is currently insufficient to determine the role of this variant in disease. Therefore, it has been classified as a Variant of Uncertain Significance.

Ambry Genetics
Classification: Uncertain significance for Inborn genetic diseases. Last evaluated: 2022-05-10. Review status: criteria provided, single submitter. Criteria: Ambry Variant Classification Scheme 2023. Collection method: clinical testing. Allele origin: germline.